The following is an entry in ClinVar:

ClinVar aggregate classification (germline): Pathogenic/Likely pathogenic. Review status: criteria provided, multiple submitters, no conflicts (2 of 4 stars). 6 submissions from 6 submitters: Pathogenic (5); Likely pathogenic (1). Last evaluated 2025-12-10.

Conditions:
Hereditary cancer-predisposing syndrome. Also called: Tumor predisposition; Hereditary Cancer Syndrome; Hereditary neoplastic syndrome; Neoplastic Syndromes, Hereditary. Identifiers: Orphanet 140162, MedGen C0027672, MeSH D009386, MONDO:0015356.
Hereditary leiomyomatosis and renal cell cancer. Also called: LEIOMYOMA, MULTIPLE CUTANEOUS; Reed syndrome; Multiple cutaneous and uterine leiomyomatosis; Cutaneous leiomyomata with uterine leiomyomata; Leiomyoma, hereditary multiple, of skin; Multiple cutaneous and uterine leiomyomata. Identifiers: Orphanet 523, MedGen C1708350, MONDO:0007888, OMIM 150800, HP:0007437. Disease mechanism: loss of function.
Fumarase deficiency (FMRD). Also called: Fumaric aciduria; Fumarate Hydratase Deficiency. Identifiers: Orphanet 24, MedGen C0342770, MONDO:0011730, OMIM 606812.

Submissions (6):

Ambry Genetics
Classification: Pathogenic for Hereditary cancer-predisposing syndrome. Last evaluated: 2025-12-10. Review status: criteria provided, single submitter. Criteria: Ambry Variant Classification Scheme 2023. Collection method: clinical testing. Allele origin: germline.
Comment: The p.Q47* pathogenic mutation (also known as c.139C>T), located in coding exon 2 of the FH gene, results from a C to T substitution at nucleotide position 139. This changes the amino acid from a glutamine to a stop codon within coding exon 2. This variant was reported in individuals with features consistent with FH-related tumor predisposition (Tulandi T et al. CMAJ, 2016 Feb;188:140; Li H et al. Hum Pathol, 2022 Aug;126:136-145; Llamas-Velasco M et al. Am J Dermatopathol, 2016 Dec;38:887-891; S&aacute;nchez-Heras AB et al. Cancers (Basel), 2020 Nov;12; Ambry internal data). This variant is considered to be rare based on population cohorts in the Genome Aggregation Database (gnomAD). This alteration is expected to result in loss of function by premature protein truncation or nonsense-mediated mRNA decay. As such, this alteration is interpreted as a disease-causing mutation.

Labcorp Genetics (formerly Invitae), Labcorp
Classification: Pathogenic. Last evaluated: 2025-03-03. Review status: criteria provided, single submitter. Criteria: Invitae Variant Classification Sherloc (09022015). Collection method: clinical testing. Allele origin: germline.
Comment: This sequence change creates a premature translational stop signal (p.Gln47*) in the FH gene. It is expected to result in an absent or disrupted protein product. Loss-of-function variants in FH are known to be pathogenic (PMID: 11865300, 21398687). This variant is not present in population databases (gnomAD no frequency). This premature translational stop signal has been observed in individual(s) with cutaneous and uterine leiomyomas (PMID: 11865300, 25292446, 26323704). This variant is also known as Gln4X. ClinVar contains an entry for this variant (Variation ID: 214389). For these reasons, this variant has been classified as Pathogenic.

Natera, Inc.
Classification: Likely pathogenic for Fumarase Deficiency. Last evaluated: 2024-03-08. Review status: criteria provided, single submitter. Criteria: Natera Variant Classification Schema (03/2026). Collection method: clinical testing. Allele origin: germline.
Comment: The c.139C>T variant in FH is a nonsense variant predicted to introduce a stop codon at amino acid 47. This variant is expected to result in nonsense mediated decay, truncation, or a dysfunctional protein product. This variant is rare in the general population with a frequency below the threshold expected for the associated phenotype(s). Given the available evidence, this variant is classified as Likely Pathogenic.

Myriad Genetics, Inc.
Classification: Pathogenic for Hereditary leiomyomatosis and renal cell cancer. Last evaluated: 2023-07-05. Review status: criteria provided, single submitter. Criteria: Myriad Autosomal Dominant, Autosomal Recessive and X-Linked Classification Criteria (2023). Collection method: clinical testing. Allele origin: unknown.
Comment: This variant is considered pathogenic. This variant creates a termination codon and is predicted to result in premature protein truncation.

GeneDx
Classification: Pathogenic. Last evaluated: 2020-10-21. Review status: criteria provided, single submitter. Criteria: GeneDx Variant Classification Process June 2021. Collection method: clinical testing. Allele origin: germline. Affected: yes.
Comment: Nonsense variant predicted to result in protein truncation or nonsense mediated decay in a gene for which loss-of-function is a known mechanism of disease; Not observed in large population cohorts (Lek 2016); Also known as c.10C>T (p.Gln4Ter); This variant is associated with the following publications: (PMID: 25525159, 15761418, 12761039, 26323704, 11865300, 25292446)

Genomic Diagnostic Laboratory, Division of Genomic Diagnostics, Children's Hospital of Philadelphia
Classification: Pathogenic for Hereditary leiomyomatosis and renal cell cancer. Last evaluated: 2017-01-17. Review status: criteria provided, single submitter. Criteria: DGD Variant Analysis Guidelines. Collection method: clinical testing. Allele origin: germline. Affected: yes. Observed: 1 variant allele.
Comment: Clinical Testing

Literature cited by the submitters: PubMed 11865300 (cited by Ambry Genetics and Labcorp Genetics (formerly Invitae), Labcorp); PubMed 25525159 (cited by Ambry Genetics); PubMed 26323704 (cited by Ambry Genetics and Labcorp Genetics (formerly Invitae), Labcorp); PubMed 27097334 (cited by Ambry Genetics); PubMed 33167498 (cited by Ambry Genetics); PubMed 35659509 (cited by Ambry Genetics); PubMed 21398687 (cited by Labcorp Genetics (formerly Invitae), Labcorp); PubMed 25292446 (cited by Labcorp Genetics (formerly Invitae), Labcorp).

NM_000143.4(FH):c.139C>T (p.Gln47Ter)

Gene: FH (fumarate hydratase; minus strand). Cytogenetic location: 1q43.
Variant type: single nucleotide variant.
Coding change: c.139C>T on transcript NM_000143.4 (MANE Select); coding-DNA position 139, C replaced by T.
Protein change: p.Gln47Ter; replaces glutamine 47 with a stop codon.
Molecular consequence: nonsense.
Genome position (GRCh38, 1-based): chr1:241,517,310, G>A on the plus strand (C>T on the coding strand, the complement: FH is on the minus strand). VCF-style: chr1-241517310-G-A. GRCh37 (hg19) VCF-style: chr1-241680610-G-A.
Other names: p.Q47*:CAA>TAA; short protein forms Q47*.
Identifiers: ClinVar variation 214389 (VCV000214389.19), dbSNP rs863223980, ClinGen allele CA324825.